The following is an entry in ClinVar:

ClinVar aggregate classification (germline): Uncertain significance (1 of 4 stars; one submission).

Submission:

Labcorp Genetics (formerly Invitae), Labcorp
Classification: Uncertain significance. Last evaluated: 2026-01-14. Review status: criteria provided, single submitter. Criteria: Invitae Variant Classification Sherloc (09022015). Collection method: clinical testing. Allele origin: germline.
Comment: This sequence change replaces alanine, which is neutral and non-polar, with valine, which is neutral and non-polar, at codon 110 of the HOMER2 protein (p.Ala110Val). This variant is not present in population databases (gnomAD no frequency). This variant has not been reported in the literature in individuals affected with HOMER2-related conditions. An algorithm developed to predict the effect of missense changes on protein structure and function (PolyPhen-2) suggests that this variant is likely to be tolerated. In summary, the available evidence is currently insufficient to determine the role of this variant in disease. Therefore, it has been classified as a Variant of Uncertain Significance.

NM_004839.4(HOMER2):c.329C>T (p.Ala110Val)

Gene: HOMER2 (homer scaffold protein 2; minus strand). Cytogenetic location: 15q25.2.
Variant type: single nucleotide variant.
Coding change: c.329C>T on transcript NM_004839.4 (MANE Select); coding-DNA position 329, C replaced by T.
Protein change: p.Ala110Val; replaces alanine 110 with valine.
Molecular consequence: missense variant.
Genome position (GRCh38, 1-based): chr15:82,864,225, G>A on the plus strand (C>T on the coding strand, the complement: HOMER2 is on the minus strand). VCF-style: chr15-82864225-G-A. GRCh37 (hg19) VCF-style: chr15-83532977-G-A.
Other names: c.329C>T, p.Ala110Val (NM_199330.3); short protein forms A110V.
Identifiers: ClinVar variation 4808170 (VCV004808170.1).